The following is an entry in ClinVar:

ClinVar aggregate classification (germline): Conflicting classifications of pathogenicity. Review status: criteria provided, conflicting classifications (1 of 4 stars). 3 submissions from 3 submitters: Uncertain significance (2); Likely benign (1). Last evaluated 2022-09-29.

Conditions:
Episodic ataxia type 2 (EA2). Also called: ACETAZOLAMIDE-RESPONSIVE HEREDITARY PAROXYSMAL CEREBELLAR ATAXIA; EPISODIC ATAXIA, NYSTAGMUS-ASSOCIATED; ATAXIA, EPISODIC, WITH NYSTAGMUS; ATAXIA, FAMILIAL PAROXYSMAL; CEREBELLAR ATAXIA, PAROXYSMAL, ACETAZOLAMIDE-RESPONSIVE; CEREBELLOPATHY, HEREDITARY PAROXYSMAL. Identifiers: Orphanet 97, MedGen C1720416, MONDO:0007163, OMIM 108500.
Developmental and epileptic encephalopathy, 42 (DEE42A). Also called: DEVELOPMENTAL AND EPILEPTIC ENCEPHALOPATHY 42A; EPILEPTIC ENCEPHALOPATHY, EARLY INFANTILE, 42A; Epileptic encephalopathy, early infantile, 42. Identifiers: MedGen C4310716, MONDO:0014917, OMIM 617106.
SUDDEN INFANT DEATH SYNDROME (SIDS). Also called: Sudden Infant Death. Identifiers: MedGen C0038644, MeSH D013398, OMIM 272120.

Allele frequency attached by ClinVar (database versions not stated): gnomAD 0.00003; 1000 Genomes Project 30x 0.00031; 1000 Genomes Project 0.00040.
gnomAD v4.1: 183 of 1,573,504 alleles (0.012%); highest among the groups gnomAD compares: East Asian, 0.32%; 1 homozygote.

Submissions (3):

Labcorp Genetics (formerly Invitae), Labcorp
Classification: Likely benign for Developmental and epileptic encephalopathy, 42; Episodic ataxia type 2. Last evaluated: 2022-09-29. Review status: criteria provided, single submitter. Criteria: Invitae Variant Classification Sherloc (09022015). Collection method: clinical testing. Allele origin: germline.

Robert's Program, Boston Children's Hospital
Classification: Uncertain significance for SUDDEN INFANT DEATH SYNDROME. Last evaluated: 2021-10-01. Review status: criteria provided, single submitter. Criteria: ACMG Guidelines, 2015. Collection method: research. Allele origin: germline. Affected: yes.
Comment: We classify this variant as a variant of uncertain significance using ACMG/AMP criteria. As this variant has functional evidence supporting pathogenicty, we suspect this variant is favoring pathogenic.

GeneDx
Classification: Uncertain significance. Last evaluated: 2019-04-17. Review status: criteria provided, single submitter. Criteria: GeneDx Variant Classification Process June 2021. Collection method: clinical testing. Allele origin: germline. Affected: yes.
Comment: Identified in individuals with Dravet syndrome; however, these individuals also had another variant in CACNA1A and were heterozygous for variants in SCN1A that may have been responsible for the phenotype; referred to as R1126H using alternative nomenclature (Ohmori et al., 2013); Published functional studies demonstrate that R1123H impaired ion channel action by both half-maximal voltage and slope factor (Ohmori et al., 2013); In silico analysis, which includes protein predictors and evolutionary conservation, supports that this variant does not alter protein structure/function; This variant is associated with the following publications: (PMID: 23103419)

NM_001127222.2(CACNA1A):c.3365G>A (p.Arg1122His)

Gene: CACNA1A (calcium voltage-gated channel subunit alpha1 A; minus strand). Cytogenetic location: 19p13.13.
Variant type: single nucleotide variant.
Coding change: c.3365G>A on transcript NM_001127222.2 (MANE Select); coding-DNA position 3365, G replaced by A.
Protein change: p.Arg1122His; replaces arginine 1122 with histidine.
Molecular consequence: missense variant.
Genome position (GRCh38, 1-based): chr19:13,286,691, C>T on the plus strand (G>A on the coding strand, the complement: CACNA1A is on the minus strand). VCF-style: chr19-13286691-C-T. GRCh37 (hg19) VCF-style: chr19-13397505-C-T.
Other names: c.3377G>A, p.Arg1126His (NM_000068.4, NM_023035.3); c.3368G>A, p.Arg1123His (NM_001127221.2, NM_001174080.2); short protein forms R1122H, R1123H, R1126H.
Identifiers: ClinVar variation 1199823 (VCV001199823.13), dbSNP rs201647627, ClinGen allele CA9240350.
Genomic context (GRCh38, chr19:13,286,691, plus strand): 5'-TTCTCGGGGGTCTTGGGGGGGCCGGGATTGGATGGGTTCCCCGGGTTGTTGGGCGTCCGG[C>T]GGCTGGCGGCGTTCTGGGGGTTGGTGGCCATGGCAGGGATGGCCAGCATGGGGCCGGGGT-3'
Protein context (NP_001120694.1, residues 1112-1132): MATNPQNAAS[Arg1122His]RTPNNPGNPS